The following is an entry in ClinVar:

NM_020832.3(ZNF687):c.434G>T (p.Ser145Ile)

Gene: ZNF687 (zinc finger protein 687; plus strand). Cytogenetic location: 1q21.3.
Variant type: single nucleotide variant.
Coding change: c.434G>T on transcript NM_020832.3 (MANE Select); coding-DNA position 434, G replaced by T.
Protein change: p.Ser145Ile; replaces serine 145 with isoleucine.
Molecular consequence: missense variant.
Genome position (GRCh38, 1-based): chr1:151,286,725, G>T. VCF-style: chr1-151286725-G-T. GRCh37 (hg19) VCF-style: chr1-151259201-G-T.
Other names: c.434G>T, p.Ser145Ile (NM_001304763.2, NM_001304764.2); short protein forms S145I.
Identifiers: ClinVar variation 2002507 (VCV002002507.4), dbSNP rs2528492238, ClinGen allele CA341928974.

ClinVar aggregate classification (germline): Uncertain significance (1 of 4 stars; one submission).

gnomAD v4.1: 3 of 1,614,222 alleles (0.00019%); highest among the groups gnomAD compares: East Asian, 0.0045%; no homozygotes.

Submission:

Labcorp Genetics (formerly Invitae), Labcorp
Classification: Uncertain significance. Last evaluated: 2022-06-05. Review status: criteria provided, single submitter. Criteria: Invitae Variant Classification Sherloc (09022015). Collection method: clinical testing. Allele origin: germline.
Comment: This sequence change replaces serine, which is neutral and polar, with isoleucine, which is neutral and non-polar, at codon 145 of the ZNF687 protein (p.Ser145Ile). This variant is not present in population databases (gnomAD no frequency). This variant has not been reported in the literature in individuals affected with ZNF687-related conditions. Algorithms developed to predict the effect of missense changes on protein structure and function are either unavailable or do not agree on the potential impact of this missense change (SIFT: "Deleterious"; PolyPhen-2: "Benign"; Align-GVGD: "Class C15"). In summary, the available evidence is currently insufficient to determine the role of this variant in disease. Therefore, it has been classified as a Variant of Uncertain Significance.